The following is an entry in ClinVar:

ClinVar aggregate classification (germline): Uncertain significance. Review status: criteria provided, multiple submitters, no conflicts (2 of 4 stars). 2 submissions from 2 submitters: Uncertain significance (2). Last evaluated 2025-04-03.

Conditions:
Inborn genetic diseases. Identifiers: MedGen C0950123, MeSH D030342.

Allele frequency attached by ClinVar (database versions not stated): gnomAD 0.00001; TOPMed 0.00001; ExAC 0.00002; gnomAD exomes 0.00005; ESP Exome Variant Server 0.00008.
gnomAD v4.1: 76 of 1,614,110 alleles (0.0047%); highest among the groups gnomAD compares: Non-Finnish European, 0.0063%; no homozygotes.

Submissions (2):

Ambry Genetics
Classification: Uncertain significance for Inborn genetic diseases. Last evaluated: 2025-04-03. Review status: criteria provided, single submitter. Criteria: Ambry Variant Classification Scheme 2023. Collection method: clinical testing. Allele origin: germline.

Labcorp Genetics (formerly Invitae), Labcorp
Classification: Uncertain significance. Last evaluated: 2022-01-26. Review status: criteria provided, single submitter. Criteria: Invitae Variant Classification Sherloc (09022015). Collection method: clinical testing. Allele origin: germline.
Comment: In summary, the available evidence is currently insufficient to determine the role of this variant in disease. Therefore, it has been classified as a Variant of Uncertain Significance. Algorithms developed to predict the effect of missense changes on protein structure and function (SIFT, PolyPhen-2, Align-GVGD) all suggest that this variant is likely to be disruptive. This variant has not been reported in the literature in individuals affected with JAM3-related conditions. This variant is present in population databases (rs149503465, gnomAD 0.004%). This sequence change replaces arginine, which is basic and polar, with isoleucine, which is neutral and non-polar, at codon 185 of the JAM3 protein (p.Arg185Ile).

NM_032801.5(JAM3):c.554G>T (p.Arg185Ile)

Gene: JAM3 (junctional adhesion molecule 3; plus strand). Cytogenetic location: 11q25.
Variant type: single nucleotide variant.
Coding change: c.554G>T on transcript NM_032801.5 (MANE Select); coding-DNA position 554, G replaced by T.
Protein change: p.Arg185Ile; replaces arginine 185 with isoleucine.
Molecular consequence: missense variant.
Genome position (GRCh38, 1-based): chr11:134,144,936, G>T. VCF-style: chr11-134144936-G-T. GRCh37 (hg19) VCF-style: chr11-134014831-G-T.
Other names: c.401G>T, p.Arg134Ile (NM_001205329.2); short protein forms R134I, R185I.
Identifiers: ClinVar variation 1906259 (VCV001906259.7), dbSNP rs149503465, ClinGen allele CA6370079.